The following is an entry in ClinVar:

NM_001374828.1(ARID1B):c.3258G>T (p.Met1086Ile)

Gene: ARID1B (AT-rich interaction domain 1B; plus strand). Cytogenetic location: 6q25.3.
Variant type: single nucleotide variant.
Coding change: c.3258G>T on transcript NM_001374828.1 (MANE Select); coding-DNA position 3258, G replaced by T.
Protein change: p.Met1086Ile; replaces methionine 1086 with isoleucine.
Molecular consequence: missense variant.
Genome position (GRCh38, 1-based): chr6:157,174,030, G>T. VCF-style: chr6-157174030-G-T. GRCh37 (hg19) VCF-style: chr6-157495164-G-T.
Other names: c.3048G>T, p.Met1016Ile (NM_020732.3); c.759G>T, p.Met253Ile (NM_001363725.2); c.3297G>T, p.Met1099Ile (NM_001371656.1, NM_001374820.1); c.3258G>T, p.Met1086Ile (NM_017519.3); short protein forms M1016I, M253I, M1086I, M1099I.
Identifiers: ClinVar variation 372900 (VCV000372900.1), dbSNP rs1057518059, ClinGen allele CA16042647.
Genomic context (GRCh38, chr6:157,174,030, plus strand): 5'-ACATATAATCCTAAACTCTTTCTCCTGTTTTCGATTAGCATCTGTGGGTCTTGCAGATAT[G>T]ATGTCTCCTGGTGAATCCAAACTGCCCCTGCCTCTCAAAGCAGACGGCAAAGAAGAAGGC-3'
Protein context (NP_001361757.1, residues 1076-1096): SSAASVGLAD[Met1086Ile]MSPGESKLPL

ClinVar aggregate classification (germline): Likely pathogenic (1 of 4 stars; one submission).

Submission:

GeneDx
Classification: Likely pathogenic. Last evaluated: 2016-02-21. Review status: criteria provided, single submitter. Criteria: GeneDx Variant Classification (06012015). Collection method: clinical testing. Allele origin: germline. Affected: yes.
Comment: The M1016I variant in the ARID1B gene has not been reported previously as a pathogenic variant, nor as a benign variant, to our knowledge. The M1016I variant was not observed in approximately 6500 individuals of European and African American ancestry in the NHLBI Exome Sequencing Project, indicating it is not a common benign variant in these populations. The M1016I variant is a conservative amino acid substitution, which is not likely to impact secondary protein structure as these residues share similar properties. This substitution occurs at a position where amino acids with similar properties to Methionine are tolerated across species. In silico analysis is inconsistent in its predictions as to whether or not the variant is damaging to the protein structure/function. The M1016I variant is a strong candidate for a pathogenic variant. However, the possibility it may be a rare benign variant cannot be excluded.